The following is an entry in ClinVar:

ClinVar aggregate classification (germline): Uncertain significance. Review status: criteria provided, multiple submitters, no conflicts (2 of 4 stars). 4 submissions from 4 submitters: Uncertain significance (4). Last evaluated 2025-11-06.

Conditions:
Familial adenomatous polyposis 1 (FAP1). Also called: POLYPOSIS, ADENOMATOUS INTESTINAL; FAMILIAL ADENOMATOUS POLYPOSIS 1, ATTENUATED. Identifiers: MedGen C2713442, MONDO:0021056, OMIM 175100. Disease mechanism: loss of function.
Hereditary cancer-predisposing syndrome. Also called: Hereditary neoplastic syndrome; Tumor predisposition; Neoplastic Syndromes, Hereditary; Hereditary Cancer Syndrome. Identifiers: Orphanet 140162, MedGen C0027672, MeSH D009386, MONDO:0015356.

gnomAD v4.1: 1 of 1,614,088 alleles (0.000062%); no homozygotes.

Submissions (4):

Ambry Genetics
Classification: Uncertain significance for Hereditary cancer-predisposing syndrome. Last evaluated: 2025-11-06. Review status: criteria provided, single submitter. Criteria: Ambry Variant Classification Scheme 2023. Collection method: clinical testing. Allele origin: germline.
Comment: The p.Q1447E variant (also known as c.4339C>G), located in coding exon 15 of the APC gene, results from a C to G substitution at nucleotide position 4339. The glutamine at codon 1447 is replaced by glutamic acid, an amino acid with highly similar properties. This amino acid position is not well conserved in available vertebrate species. In addition, in silico predictors for this gene do not accurately predict pathogenicity. Missense alterations in APC are not a common cause of disease (Spier I et al. Genet Med. 2024 Feb;26(2):100992). Based on the available evidence, the clinical significance of this variant remains unclear.

Color Diagnostics, LLC DBA Color Health
Classification: Uncertain significance for Hereditary cancer-predisposing syndrome. Last evaluated: 2025-01-27. Review status: criteria provided, single submitter. Criteria: ACMG Guidelines, 2015. Collection method: clinical testing. Allele origin: germline.
Comment: This missense variant replaces glutamine with glutamic acid at codon 1447 of the APC protein. Computational prediction suggests that this variant may not impact protein structure and function (internally defined REVEL score threshold <= 0.5, PMID: 27666373). To our knowledge, functional studies have not been reported for this variant. This variant has not been reported in individuals affected with APC-related disorders in the literature. This variant has not been identified in the general population by the Genome Aggregation Database (gnomAD). The available evidence is insufficient to determine the role of this variant in disease conclusively. Therefore, this variant is classified as a Variant of Uncertain Significance.

Labcorp Genetics (formerly Invitae), Labcorp
Classification: Uncertain significance for Familial adenomatous polyposis 1. Last evaluated: 2024-07-03. Review status: criteria provided, single submitter. Criteria: Invitae Variant Classification Sherloc (09022015). Collection method: clinical testing. Allele origin: germline.
Comment: This sequence change replaces glutamine, which is neutral and polar, with glutamic acid, which is acidic and polar, at codon 1447 of the APC protein (p.Gln1447Glu). This variant is not present in population databases (gnomAD no frequency). This variant has not been reported in the literature in individuals affected with APC-related conditions. ClinVar contains an entry for this variant (Variation ID: 569444). Advanced modeling of protein sequence and biophysical properties (such as structural, functional, and spatial information, amino acid conservation, physicochemical variation, residue mobility, and thermodynamic stability) performed at Invitae indicates that this missense variant is not expected to disrupt APC protein function with a negative predictive value of 95%. In summary, the available evidence is currently insufficient to determine the role of this variant in disease. Therefore, it has been classified as a Variant of Uncertain Significance.

Quest Diagnostics Nichols Institute San Juan Capistrano
Classification: Uncertain significance. Last evaluated: 2024-03-13. Review status: criteria provided, single submitter. Criteria: Quest Diagnostics criteria. Collection method: clinical testing. Allele origin: unknown.
Comment: The APC c.4339C>G (p.Gln1447Glu) variant has not been reported in individuals with APC-related conditions in the published literature. It also has not been reported in large, multi-ethnic general populations (Genome Aggregation Database). Analysis of this variant using bioinformatics tools for the prediction of the effect of amino acid changes on protein structure and function yielded predictions that this variant is benign. Based on the available information, we are unable to determine the clinical significance of this variant.

NM_000038.6(APC):c.4339C>G (p.Gln1447Glu)

Gene: APC (APC regulator of Wnt signaling pathway; plus strand). Cytogenetic location: 5q22.2.
Variant type: single nucleotide variant.
Coding change: c.4339C>G on transcript NM_000038.6 (MANE Select); coding-DNA position 4339, C replaced by G.
Protein change: p.Gln1447Glu; replaces glutamine 1447 with glutamic acid.
Molecular consequence: missense variant.
Genome position (GRCh38, 1-based): chr5:112,839,933, C>G. VCF-style: chr5-112839933-C-G. GRCh37 (hg19) VCF-style: chr5-112175630-C-G.
Other names: c.4339C>G, p.Gln1447Glu (NM_001354895.2, NM_001127510.3); c.4285C>G, p.Gln1429Glu (NM_001127511.3); c.4393C>G, p.Gln1465Glu (NM_001354896.2); c.4369C>G, p.Gln1457Glu (NM_001354897.2); c.4264C>G, p.Gln1422Glu (NM_001354898.2); c.4255C>G, p.Gln1419Glu (NM_001354899.2); c.4216C>G, p.Gln1406Glu (NM_001354900.2); c.4162C>G, p.Gln1388Glu (NM_001354901.2); and 5 more; short protein forms Q1429E, Q1447E, Q1164E, Q1287E, Q1356E, Q1422E, Q1457E, Q1346E.
Identifiers: ClinVar variation 569444 (VCV000569444.15), dbSNP rs1561591598, ClinGen allele CA16030836.